The following is an entry in ClinVar:

ClinVar aggregate classification (germline): Uncertain significance. Review status: criteria provided, multiple submitters, no conflicts (2 of 4 stars). 3 submissions from 3 submitters: Uncertain significance (3). Last evaluated 2026-01-31.

Conditions:
Noonan syndrome 10 (NS10). Identifiers: Orphanet 648, MedGen C4225280, MONDO:0014693, OMIM 616564.
LZTR1-related schwannomatosis. Also called: Schwannomatosis 2; Schwannomatosis-2, susceptibility to. Identifiers: Orphanet 93921, MedGen C3810283, MONDO:0014299, OMIM 615670.
Noonan syndrome 2 (NS2). Identifiers: Orphanet 648, MedGen C1854469, MONDO:0011531, OMIM 605275.
Cardiovascular phenotype. Identifiers: MedGen CN230736.
Hereditary cancer-predisposing syndrome. Also called: Hereditary Cancer Syndrome; Hereditary neoplastic syndrome; Neoplastic Syndromes, Hereditary; Tumor predisposition. Identifiers: Orphanet 140162, MedGen C0027672, MeSH D009386, MONDO:0015356.

Allele frequency attached by ClinVar (database versions not stated): gnomAD 0.00002; ExAC 0.00004.
gnomAD v4.1: 42 of 1,613,046 alleles (0.0026%); highest among the groups gnomAD compares: East Asian, 0.091%; no homozygotes.

Submissions (3):

Labcorp Genetics (formerly Invitae), Labcorp
Classification: Uncertain significance. Last evaluated: 2026-01-31. Review status: criteria provided, single submitter. Criteria: Invitae Variant Classification Sherloc (09022015). Collection method: clinical testing. Allele origin: germline.
Comment: This sequence change replaces phenylalanine, which is neutral and non-polar, with leucine, which is neutral and non-polar, at codon 48 of the LZTR1 protein (p.Phe48Leu). This variant is present in population databases (rs774765005, gnomAD 0.02%). This variant has not been reported in the literature in individuals affected with LZTR1-related conditions. ClinVar contains an entry for this variant (Variation ID: 1772885). Invitae Evidence Modeling of protein sequence and biophysical properties (such as structural, functional, and spatial information, amino acid conservation, physicochemical variation, residue mobility, and thermodynamic stability) indicates that this missense variant is not expected to disrupt LZTR1 protein function with a negative predictive value of 80%. In summary, the available evidence is currently insufficient to determine the role of this variant in disease. Therefore, it has been classified as a Variant of Uncertain Significance.

Ambry Genetics
Classification: Uncertain significance for Cardiovascular phenotype; Hereditary cancer-predisposing syndrome. Last evaluated: 2024-10-06. Review status: criteria provided, single submitter. Criteria: Ambry Variant Classification Scheme 2023. Collection method: clinical testing. Allele origin: germline.
Comment: The p.F48L variant (also known as c.144C>G), located in coding exon 1 of the LZTR1 gene, results from a C to G substitution at nucleotide position 144. The phenylalanine at codon 48 is replaced by leucine, an amino acid with highly similar properties. This amino acid position is conserved. In addition, the in silico prediction for this alteration is inconclusive. Since supporting evidence is limited at this time, the clinical significance of this alteration remains unclear.

Fulgent Genetics
Classification: Uncertain significance for Noonan syndrome 2; LZTR1-related schwannomatosis; Noonan syndrome 10. Last evaluated: 2024-06-10. Review status: criteria provided, single submitter. Criteria: ACMG Guidelines, 2015. Collection method: clinical testing. Allele origin: germline.

NM_006767.4(LZTR1):c.144C>G (p.Phe48Leu)

Gene: LZTR1 (leucine zipper like post translational regulator 1; plus strand). Cytogenetic location: 22q11.21.
Variant type: single nucleotide variant.
Coding change: c.144C>G on transcript NM_006767.4 (MANE Select); coding-DNA position 144, C replaced by G.
Protein change: p.Phe48Leu; replaces phenylalanine 48 with leucine.
Molecular consequence: missense variant.
Genome position (GRCh38, 1-based): chr22:20,982,515, C>G. VCF-style: chr22-20982515-C-G. GRCh37 (hg19) VCF-style: chr22-21336804-C-G.
Other names: short protein forms F48L.
Identifiers: ClinVar variation 1772885 (VCV001772885.9), dbSNP rs774765005, ClinGen allele CA10118286.